The following is an entry in ClinVar:

NM_001243133.2(NLRP3):c.3011C>T (p.Ser1004Phe)

Gene: NLRP3 (NLR family pyrin domain containing 3; plus strand). Cytogenetic location: 1q44.
Variant type: single nucleotide variant.
Coding change: c.3011C>T on transcript NM_001243133.2 (MANE Select); coding-DNA position 3011, C replaced by T.
Protein change: p.Ser1004Phe; replaces serine 1004 with phenylalanine.
Molecular consequence: missense variant.
Genome position (GRCh38, 1-based): chr1:247,448,410, C>T. VCF-style: chr1-247448410-C-T. GRCh37 (hg19) VCF-style: chr1-247611712-C-T.
Other names: c.3011C>T, p.Ser1004Phe (NM_001079821.3); c.2840C>T, p.Ser947Phe (NM_001127461.3, NM_001127462.3); c.3017C>T, p.Ser1006Phe (NM_004895.5); c.2669C>T, p.Ser890Phe (NM_183395.3); short protein forms S1004F, S1006F, S947F, S890F.
Identifiers: ClinVar variation 2076724 (VCV002076724.4), dbSNP rs773718821, ClinGen allele CA1495431.

ClinVar aggregate classification (germline): Uncertain significance (1 of 4 stars; one submission).

Conditions:
Cryopyrin associated periodic syndrome (CAPS). Identifiers: Orphanet 208650, MedGen C2316212, MONDO:0016168.

Allele frequency attached by ClinVar (database versions not stated): gnomAD exomes below 0.00001; ExAC 0.00001.
gnomAD v4.1: 1 of 1,593,550 alleles (0.000063%); highest among the groups gnomAD compares: Admixed American, 0.0017%; no homozygotes.

Submission:

Labcorp Genetics (formerly Invitae), Labcorp
Classification: Uncertain significance for Cryopyrin associated periodic syndrome. Last evaluated: 2024-11-05. Review status: criteria provided, single submitter. Criteria: Invitae Variant Classification Sherloc (09022015). Collection method: clinical testing. Allele origin: germline.
Comment: This sequence change replaces serine, which is neutral and polar, with phenylalanine, which is neutral and non-polar, at codon 1006 of the NLRP3 protein (p.Ser1006Phe). This variant is present in population databases (rs773718821, gnomAD 0.0009%). This variant has not been reported in the literature in individuals affected with NLRP3-related conditions. ClinVar contains an entry for this variant (Variation ID: 2076724). Invitae Evidence Modeling of protein sequence and biophysical properties (such as structural, functional, and spatial information, amino acid conservation, physicochemical variation, residue mobility, and thermodynamic stability) indicates that this missense variant is not expected to disrupt NLRP3 protein function with a negative predictive value of 95%. In summary, the available evidence is currently insufficient to determine the role of this variant in disease. Therefore, it has been classified as a Variant of Uncertain Significance.